The following is an entry in ClinVar:

NM_003661.4(APOL1):c.1181C>T (p.Ala394Val)

Gene: APOL1 (apolipoprotein L1; plus strand). Cytogenetic location: 22q12.3.
Variant type: single nucleotide variant.
Coding change: c.1181C>T on transcript NM_003661.4 (MANE Select); coding-DNA position 1181, C replaced by T.
Protein change: p.Ala394Val; replaces alanine 394 with valine.
Molecular consequence: missense variant.
Genome position (GRCh38, 1-based): chr22:36,266,017, C>T. VCF-style: chr22-36266017-C-T. GRCh37 (hg19) VCF-style: chr22-36662063-C-T.
Other names: c.1181C>T, p.Ala394Val (NM_001136540.2); c.1127C>T, p.Ala376Val (NM_001136541.2, NM_001362927.2); c.1229C>T, p.Ala410Val (NM_145343.3); short protein forms A376V, A394V, A410V.
Identifiers: ClinVar variation 1395642 (VCV001395642.5), dbSNP rs138178894, ClinGen allele CA10208853.

ClinVar aggregate classification (germline): Uncertain significance (1 of 4 stars; one submission).

Allele frequency attached by ClinVar (database versions not stated): ESP Exome Variant Server 0.00008; 1000 Genomes Project 30x 0.00031.

Submission:

Labcorp Genetics (formerly Invitae), Labcorp
Classification: Uncertain significance. Last evaluated: 2021-09-01. Review status: criteria provided, single submitter. Criteria: Invitae Variant Classification Sherloc (09022015). Collection method: clinical testing. Allele origin: germline.
Comment: This sequence change replaces alanine with valine at codon 394 of the APOL1 protein (p.Ala394Val). The alanine residue is weakly conserved and there is a small physicochemical difference between alanine and valine. This variant is present in population databases (rs138178894, ExAC 0.07%). This variant has not been reported in the literature in individuals affected with APOL1-related conditions. Algorithms developed to predict the effect of missense changes on protein structure and function are either unavailable or do not agree on the potential impact of this missense change (SIFT: "Tolerated"; PolyPhen-2: "Possibly Damaging"; Align-GVGD: "Class C0"). Algorithms developed to predict the effect of sequence changes on RNA splicing suggest that this variant may create or strengthen a splice site. In summary, the available evidence is currently insufficient to determine the role of this variant in disease. Therefore, it has been classified as a Variant of Uncertain Significance.